The following is an entry in ClinVar:

ClinVar aggregate classification (germline): Pathogenic/Likely pathogenic. Review status: criteria provided, multiple submitters, no conflicts (2 of 4 stars). 2 submissions from 2 submitters: Pathogenic (1); Likely pathogenic (1). Last evaluated 2023-05-08.

Conditions:
3-Methylglutaconic aciduria type 2 (BTHS). Also called: CARDIOSKELETAL MYOPATHY WITH NEUTROPENIA AND ABNORMAL MITOCHONDRIA; Barth syndrome. Identifiers: Orphanet 111, MedGen C0574083, MONDO:0010543, OMIM 302060.

Submissions (2):

Labcorp Genetics (formerly Invitae), Labcorp
Classification: Pathogenic for 3-Methylglutaconic aciduria type 2. Last evaluated: 2023-05-08. Review status: criteria provided, single submitter. Criteria: Invitae Variant Classification Sherloc (09022015). Collection method: clinical testing. Allele origin: germline.
Comment: Experimental studies have shown that this variant affects TAZ function (PMID: 21300850). An algorithm developed to predict the effect of missense changes on protein structure and function (PolyPhen-2) suggests that this variant is likely to be disruptive. ClinVar contains an entry for this variant (Variation ID: 531184). This variant has been observed in individual(s) with Barth syndrome (PMID: 24342716). This variant is not present in population databases (gnomAD no frequency). This sequence change affects codon 80 of the TAZ mRNA. It is a 'silent' change, meaning that it does not change the encoded amino acid sequence of the TAZ protein. This variant also falls at the last nucleotide of exon 2, which is part of the consensus splice site for this exon. Variants that disrupt the consensus splice site are a relatively common cause of aberrant splicing (PMID: 17576681, 9536098). Studies have shown that this variant is associated with altered splicing resulting in multiple RNA products (PMID: 24342716). For these reasons, this variant has been classified as Pathogenic.

Molecular Diagnostics Lab, Nemours Children's Health, Delaware
Classification: Likely pathogenic for 3-Methylglutaconic aciduria type 2. Last evaluated: 2020-07-22. Review status: criteria provided, single submitter. Criteria: ACMG Guidelines, 2015. Collection method: clinical testing. Allele origin: maternal. Inheritance: X-linked inheritance. Affected: yes. Observed: 2 hemizygotes.

Literature cited by the submitters: PubMed 21300850 (cited by Labcorp Genetics (formerly Invitae), Labcorp); PubMed 24342716 (cited by Labcorp Genetics (formerly Invitae), Labcorp and Molecular Diagnostics Lab, Nemours Children's Health, Delaware); PubMed 17576681 (cited by Labcorp Genetics (formerly Invitae), Labcorp); PubMed 9536098 (cited by Labcorp Genetics (formerly Invitae), Labcorp).

NM_000116.5(TAFAZZIN):c.238G>A (p.Gly80Arg)

Gene: TAFAZZIN (tafazzin, phospholipid-lysophospholipid transacylase; plus strand). Cytogenetic location: Xq28.
Variant type: single nucleotide variant.
Coding change: c.238G>A on transcript NM_000116.5 (MANE Select); coding-DNA position 238, G replaced by A.
Protein change: p.Gly80Arg; replaces glycine 80 with arginine.
Molecular consequence: missense variant. On other transcripts: non-coding transcript variant (1).
Genome position (GRCh38, 1-based): chrX:154,412,214, G>A. VCF-style: chrX-154412214-G-A. GRCh37 (hg19) VCF-style: chrX-153640551-G-A.
Other names: c.292G>A, p.Gly98Arg (NM_001303465.2); c.238G>A, p.Gly80Arg (NM_181311.4, NM_181312.4, NM_181313.4); short protein forms G80R, G98R.
Identifiers: ClinVar variation 531184 (VCV000531184.7), dbSNP rs1557191170, ClinGen allele CA415180284.